The following is an entry in ClinVar:

NM_001131016.2(CIZ1):c.1081G>C (p.Val361Leu)

Gene: CIZ1 (CDKN1A interacting zinc finger protein 1; minus strand). Cytogenetic location: 9q34.11.
Variant type: single nucleotide variant.
Coding change: c.1081G>C on transcript NM_001131016.2 (MANE Select); coding-DNA position 1081, G replaced by C.
Protein change: p.Val361Leu; replaces valine 361 with leucine.
Molecular consequence: missense variant.
Genome position (GRCh38, 1-based): chr9:128,179,126, C>G on the plus strand (G>C on the coding strand, the complement: CIZ1 is on the minus strand). VCF-style: chr9-128179126-C-G. GRCh37 (hg19) VCF-style: chr9-130941405-C-G.
Other names: c.1081G>C, p.Val361Leu (NM_001131015.2, NM_012127.3); c.1066G>C, p.Val356Leu (NM_001131017.2); c.1009G>C, p.Val337Leu (NM_001131018.2); c.1171G>C, p.Val391Leu (NM_001257975.2); c.778G>C, p.Val260Leu (NM_001257976.2); short protein forms V337L, V260L, V391L, V356L, V361L.
Identifiers: ClinVar variation 1446327 (VCV001446327.8), dbSNP rs372654384, ClinGen allele CA5257381.

ClinVar aggregate classification (germline): Uncertain significance (1 of 4 stars; one submission).

Conditions:
Dystonic disorder. Also called: Dystonia. Identifiers: MedGen C0013421, MONDO:0003441, HP:0001332.

gnomAD v4.1: 10 of 1,613,992 alleles (0.00062%); highest among the groups gnomAD compares: Middle Eastern, 0.016%; no homozygotes.

Submission:

Labcorp Genetics (formerly Invitae), Labcorp
Classification: Uncertain significance for Dystonic disorder. Last evaluated: 2021-05-03. Review status: criteria provided, single submitter. Criteria: Invitae Variant Classification Sherloc (09022015). Collection method: clinical testing. Allele origin: germline.
Comment: This sequence change replaces valine with leucine at codon 361 of the CIZ1 protein (p.Val361Leu). The valine residue is weakly conserved and there is a small physicochemical difference between valine and leucine. In summary, the available evidence is currently insufficient to determine the role of this variant in disease. Therefore, it has been classified as a Variant of Uncertain Significance. Algorithms developed to predict the effect of missense changes on protein structure and function are either unavailable or do not agree on the potential impact of this missense change (SIFT: "Deleterious"; PolyPhen-2: "Benign"; Align-GVGD: "Class C0"). This variant has not been reported in the literature in individuals with CIZ1-related conditions. This variant is present in population databases (rs372654384, ExAC 0.002%).